The following is an entry in ClinVar:

NM_014141.6(CNTNAP2):c.3474A>G (p.Ile1158Met)

Gene: CNTNAP2 (contactin associated protein 2; plus strand). Cytogenetic location: 7q36.1.
Variant type: single nucleotide variant.
Coding change: c.3474A>G on transcript NM_014141.6 (MANE Select); coding-DNA position 3474, A replaced by G.
Protein change: p.Ile1158Met; replaces isoleucine 1158 with methionine.
Molecular consequence: missense variant.
Genome position (GRCh38, 1-based): chr7:148,267,125, A>G. VCF-style: chr7-148267125-A-G. GRCh37 (hg19) VCF-style: chr7-147964217-A-G.
Other names: short protein forms I1158M.
Identifiers: ClinVar variation 536322 (VCV000536322.9), dbSNP rs1554409689, ClinGen allele CA369929028.

ClinVar aggregate classification (germline): Uncertain significance (1 of 4 stars; one submission).

Conditions:
Cortical dysplasia-focal epilepsy syndrome (PTHSL1). Also called: Pitt-Hopkins-like syndrome 1. Identifiers: Orphanet 163681, Orphanet 221150, MedGen C2750246, MONDO:0012400, OMIM 610042.

Allele frequency attached by ClinVar (database versions not stated): gnomAD exomes below 0.00001.
gnomAD v4.1: 3 of 1,613,210 alleles (0.00019%); highest among the groups gnomAD compares: Non-Finnish European, 0.00025%; no homozygotes.

Submission:

Labcorp Genetics (formerly Invitae), Labcorp
Classification: Uncertain significance for Cortical dysplasia-focal epilepsy syndrome. Last evaluated: 2017-10-18. Review status: criteria provided, single submitter. Criteria: Invitae Variant Classification Sherloc (09022015). Collection method: clinical testing. Allele origin: germline.
Comment: In summary, the available evidence is currently insufficient to determine the role of this variant in disease. Therefore, it has been classified as a Variant of Uncertain Significance. Algorithms developed to predict the effect of missense changes on protein structure and function do not agree on the potential impact of this missense change (SIFT: "Deleterious"; PolyPhen-2: "Possibly Damaging"; Align-GVGD: "Class C0"). This variant has not been reported in the literature in individuals with CNTNAP2-related disease. This variant is not present in population databases (ExAC no frequency). This sequence change replaces isoleucine with methionine at codon 1158 of the CNTNAP2 protein (p.Ile1158Met). The isoleucine residue is highly conserved and there is a small physicochemical difference between isoleucine and methionine.